The following is an entry in ClinVar:

NM_001312909.2(FAM111A):c.97C>T (p.Gln33Ter)

Gene: FAM111A (FAM111 trypsin like peptidase A; plus strand). Cytogenetic location: 11q12.1.
Variant type: single nucleotide variant.
Coding change: c.97C>T on transcript NM_001312909.2 (MANE Select); coding-DNA position 97, C replaced by T.
Protein change: p.Gln33Ter; replaces glutamine 33 with a stop codon.
Molecular consequence: nonsense.
Genome position (GRCh38, 1-based): chr11:59,151,765, C>T. VCF-style: chr11-59151765-C-T. GRCh37 (hg19) VCF-style: chr11-58919238-C-T.
Other names: c.97C>T, p.Gln33Ter (NM_001142519.3, NM_001142520.3, NM_001142521.3 and 29 more transcripts); short protein forms Q33*.
Identifiers: ClinVar variation 5007881 (VCV005007881.2), dbSNP rs753409249.

ClinVar aggregate classification (germline): Uncertain significance (1 of 4 stars; one submission).

Conditions:
Osteocraniostenosis (GCLEB). Also called: HABRODYSPLASIA; OSTEOCRANIOSPLENIC SYNDROME; Osteocraniostenosis (Gracile Bone Dysplasia). Identifiers: Orphanet 2763, MedGen C1865639, MONDO:0011215, OMIM 602361.
Autosomal dominant Kenny-Caffey syndrome. Also called: Kenny-Caffey syndrome type 2. Identifiers: Orphanet 2333, Orphanet 93325, MedGen C4316787, MONDO:0007478, OMIM 127000.

Submission:

Juno Genomics, Hangzhou Juno Genomics, Inc
Classification: Uncertain significance for Osteocraniostenosis; Autosomal dominant Kenny-Caffey syndrome. Review status: criteria provided, single submitter. Criteria: ACMG Guidelines, 2015. Collection method: clinical testing. Allele origin: germline.
Comment: Absent from controls (or at extremely low frequency if recessive) in Genome Aggregation Database.;Multiple lines of computational evidence support a deleterious effect on the gene or gene product.